The following is an entry in ClinVar:

NM_005647.4(TBL1X):c.1435G>T (p.Ala479Ser)

Gene: TBL1X (transducin beta like 1 X-linked; plus strand). Cytogenetic location: Xp22.2.
Variant type: single nucleotide variant.
Coding change: c.1435G>T on transcript NM_005647.4 (MANE Select); coding-DNA position 1435, G replaced by T.
Protein change: p.Ala479Ser; replaces alanine 479 with serine.
Molecular consequence: missense variant.
Genome position (GRCh38, 1-based): chrX:9,709,756, G>T. VCF-style: chrX-9709756-G-T. GRCh37 (hg19) VCF-style: chrX-9677796-G-T.
Other names: c.1435G>T, p.Ala479Ser (NM_001139466.1); c.1282G>T, p.Ala428Ser (NM_001139467.1, NM_001139468.1); short protein forms A428S, A479S.
Identifiers: ClinVar variation 4828754 (VCV004828754.1).
Genomic context (GRCh38, chrX:9,709,756, plus strand): 5'-ACCATCAAGTGGAGCCCCACTGGGCCCGCCACCAGCAACCCAAACTCCAACATCATGTTG[G>T]CAAGGTAAGGGCAGGCAACACAGCTGGCACAGCTCGGTGTTACACAAAGACAACAGGAAA-3'
Protein context (NP_005638.1, residues 469-489): TSNPNSNIML[Ala479Ser]SASFDSTVRL

ClinVar aggregate classification (germline): Uncertain significance (1 of 4 stars; one submission).

Conditions:
Inborn genetic diseases. Identifiers: MedGen C0950123, MeSH D030342.

gnomAD v4.1: 3 of 1,208,756 alleles (0.00025%); highest among the groups gnomAD compares: Non-Finnish European, 0.00034%; no homozygotes.

Submission:

Ambry Genetics
Classification: Uncertain significance for Inborn genetic diseases. Last evaluated: 2026-01-21. Review status: criteria provided, single submitter. Criteria: Ambry Variant Classification Scheme 2023. Collection method: clinical testing. Allele origin: germline.
Comment: The c.1435G>T (p.A479S) alteration is located in exon 15 (coding exon 12) of the TBL1X gene. This alteration results from a G to T substitution at nucleotide position 1435, causing the alanine (A) at amino acid position 479 to be replaced by a serine (S). Based on data from gnomAD, the T allele has an overall frequency of 0.001% (1/173919) total alleles studied. The highest observed frequency was 0.001% (1/76927) of European (non-Finnish) alleles. Based on insufficient or conflicting evidence, the clinical significance of this alteration remains unclear.